The following is an entry in ClinVar:

NM_000492.4(CFTR):c.806T>C (p.Ile269Thr)

Gene: CFTR (CF transmembrane conductance regulator; plus strand). Cytogenetic location: 7q31.2.
Variant type: single nucleotide variant.
Coding change: c.806T>C on transcript NM_000492.4 (MANE Select); coding-DNA position 806, T replaced by C.
Protein change: p.Ile269Thr; replaces isoleucine 269 with threonine.
Molecular consequence: missense variant.
Genome position (GRCh38, 1-based): chr7:117,536,610, T>C. VCF-style: chr7-117536610-T-C. GRCh37 (hg19) VCF-style: chr7-117176664-T-C.
Other names: short protein forms I269T.
Identifiers: ClinVar variation 593755 (VCV000593755.18), dbSNP rs201016820, ClinGen allele CA4450835.

ClinVar aggregate classification (germline): Uncertain significance. Review status: criteria provided, multiple submitters, no conflicts (2 of 4 stars). 7 submissions from 7 submitters: Uncertain significance (6). 1 of the submissions does not count toward it. Last evaluated 2026-05-11.

Conditions:
Cystic fibrosis (CF). Also called: MUCOVISCIDOSIS. Identifiers: Orphanet 586, MedGen C0010674, MONDO:0009061, OMIM 219700. Disease mechanism: loss of function.
CFTR-related disorder (CFTR-RD). Also called: CFTR-related disorders; CFTR-related condition. Identifiers: MedGen C5924204, MONDO:7770004.

Allele frequency attached by ClinVar (database versions not stated): 1000 Genomes Project 30x 0.00031; 1000 Genomes Project 0.00040; ExAC 0.00009; gnomAD 0.00011 and 0.00012; TOPMed 0.00010; gnomAD exomes 0.00004.
gnomAD v4.1: 26 of 1,610,668 alleles (0.0016%); highest among the groups gnomAD compares: African/African-American, 0.035%; no homozygotes.

Submissions (7):

Women's Health and Genetics/Laboratory Corporation of America, LabCorp
Classification: Uncertain significance. Last evaluated: 2026-05-11. Review status: criteria provided, single submitter. Criteria: LabCorp Variant Classification Summary - May 2015. Collection method: clinical testing. Allele origin: germline.
Comment: Variant summary: CFTR c.806T>C (p.Ile269Thr) results in a non-conservative amino acid change located in the ABC transporter type 1, transmembrane domain (IPR011527) of the encoded protein sequence. Algorithms developed to predict the effect of missense changes on protein structure and function all suggest that this variant is likely to be disruptive. The variant allele was found at a frequency of 3.6e-05 in 247566 control chromosomes. The available data on variant occurrences in the general population are insufficient to allow any conclusion about variant significance. To our knowledge, no occurrence of c.806T>C in individuals affected with CFTR-related conditions and no experimental evidence demonstrating its impact on protein function have been reported. ClinVar contains an entry for this variant (Variation ID: 593755). Based on the evidence outlined above, the variant was classified as uncertain significance.

Ambry Genetics
Classification: Uncertain significance for Cystic fibrosis. Last evaluated: 2025-09-12. Review status: criteria provided, single submitter. Criteria: Ambry Variant Classification Scheme 2023. Collection method: clinical testing. Allele origin: germline.
Comment: The p.I269T variant (also known as c.806T>C), located in coding exon 7 of the CFTR gene, results from a T to C substitution at nucleotide position 806. The isoleucine at codon 269 is replaced by threonine, an amino acid with similar properties. This amino acid position is highly conserved in available vertebrate species. In addition, this alteration is predicted to be deleterious by in silico analysis. Since supporting evidence is limited at this time, the clinical significance of this alteration remains unclear.

Labcorp Genetics (formerly Invitae), Labcorp
Classification: Uncertain significance for Cystic fibrosis. Last evaluated: 2022-06-13. Review status: criteria provided, single submitter. Criteria: Invitae Variant Classification Sherloc (09022015). Collection method: clinical testing. Allele origin: germline.
Comment: This sequence change replaces isoleucine, which is neutral and non-polar, with threonine, which is neutral and polar, at codon 269 of the CFTR protein (p.Ile269Thr). This variant is present in population databases (rs201016820, gnomAD 0.04%). This variant has not been reported in the literature in individuals affected with CFTR-related conditions. ClinVar contains an entry for this variant (Variation ID: 593755). Algorithms developed to predict the effect of missense changes on protein structure and function (SIFT, PolyPhen-2, Align-GVGD) all suggest that this variant is likely to be disruptive. In summary, the available evidence is currently insufficient to determine the role of this variant in disease. Therefore, it has been classified as a Variant of Uncertain Significance.

Genome-Nilou Lab
Classification: Uncertain significance for Cystic fibrosis. Last evaluated: 2021-09-05. Review status: criteria provided, single submitter. Criteria: ACMG Guidelines, 2015. Collection method: clinical testing. Allele origin: germline. Affected: no.

Mayo Clinic Laboratories, Mayo Clinic
Classification: Uncertain significance. Last evaluated: 2019-05-14. Review status: criteria provided, single submitter. Criteria: ACMG Guidelines, 2015. Collection method: clinical testing. Allele origin: germline. Observed: 1 variant allele.

Eurofins Ntd Llc (ga)
Classification: Uncertain significance. Last evaluated: 2017-08-22. Review status: criteria provided, single submitter. Criteria: EGL Classification Definitions 2015. Collection method: clinical testing. Allele origin: germline. Observed: 1 variant allele, 1 heterozygote.

Natera, Inc.
Classification: Uncertain significance for CFTR-related disorders. Last evaluated: 2018-07-23. Review status: no assertion criteria provided. Collection method: clinical testing. Allele origin: germline. Not counted in ClinVar's aggregate classification.